The following is an entry in ClinVar:

NM_182641.4(BPTF):c.2986G>C (p.Asp996His)

Gene: BPTF (bromodomain PHD finger transcription factor; plus strand). Cytogenetic location: 17q24.2.
Variant type: single nucleotide variant.
Coding change: c.2986G>C on transcript NM_182641.4 (MANE Select); coding-DNA position 2986, G replaced by C.
Protein change: p.Asp996His; replaces aspartic acid 996 with histidine.
Molecular consequence: missense variant.
Genome position (GRCh38, 1-based): chr17:67,909,755, G>C. VCF-style: chr17-67909755-G-C. GRCh37 (hg19) VCF-style: chr17-65905871-G-C.
Other names: c.3364G>C, p.Asp1122His (NM_004459.7); short protein forms D1122H, D996H.
Identifiers: ClinVar variation 3338910 (VCV003338910.1).

ClinVar aggregate classification (germline): Uncertain significance (1 of 4 stars; one submission).

Submission:

Women's Health and Genetics/Laboratory Corporation of America, LabCorp
Classification: Uncertain significance. Last evaluated: 2024-07-12. Review status: criteria provided, single submitter. Criteria: LabCorp Variant Classification Summary - May 2015. Collection method: clinical testing. Allele origin: germline.
Comment: Variant summary: BPTF c.3364G>C (p.Asp1122His) results in a non-conservative amino acid change in the encoded protein sequence. Four of five in-silico tools predict a damaging effect of the variant on protein function. The variant was absent in 219374 control chromosomes. The available data on variant occurrences in the general population are insufficient to allow any conclusion about variant significance. To our knowledge, no occurrence of c.3364G>C in individuals affected with Neurodevelopmental Disorder With Dysmorphic Facies And Distal Limb Anomalies and no experimental evidence demonstrating its impact on protein function have been reported. No submitters have cited clinical-significance assessments for this variant to ClinVar. Based on the evidence outlined above, the variant was classified as uncertain significance.